The following is an entry in ClinVar:

ClinVar aggregate classification (germline): Uncertain significance. Review status: criteria provided, multiple submitters, no conflicts (2 of 4 stars). 2 submissions from 2 submitters: Uncertain significance (2). Last evaluated 2026-02-02.

Conditions:
Distal myopathy with posterior leg and anterior hand involvement. Also called: WILLIAMS DISTAL MYOPATHY. Identifiers: Orphanet 63273, MedGen C3279722, MONDO:0013550, OMIM 614065.
Myofibrillar myopathy 5. Also called: Filaminopathy (type); FILAMINOPATHY, AUTOSOMAL DOMINANT. Identifiers: Orphanet 171445, MedGen C1836050, MONDO:0012289, OMIM 609524.
Hypertrophic cardiomyopathy 26. Also called: Cardiomyopathy, familial hypertrophic, 26. Identifiers: Orphanet 75249, MedGen C4310749, MONDO:0014883, OMIM 617047.
Cardiovascular phenotype. Identifiers: MedGen CN230736.

Submissions (2):

Labcorp Genetics (formerly Invitae), Labcorp
Classification: Uncertain significance for Distal myopathy with posterior leg and anterior hand involvement; Myofibrillar myopathy 5; Hypertrophic cardiomyopathy 26. Last evaluated: 2026-02-02. Review status: criteria provided, single submitter. Criteria: Invitae Variant Classification Sherloc (09022015). Collection method: clinical testing. Allele origin: germline.
Comment: This sequence change replaces isoleucine, which is neutral and non-polar, with methionine, which is neutral and non-polar, at codon 2392 of the FLNC protein (p.Ile2392Met). This variant is not present in population databases (gnomAD no frequency). This variant has not been reported in the literature in individuals affected with FLNC-related conditions. ClinVar contains an entry for this variant (Variation ID: 660980). Invitae Evidence Modeling of protein sequence and biophysical properties (such as structural, functional, and spatial information, amino acid conservation, physicochemical variation, residue mobility, and thermodynamic stability) indicates that this missense variant is not expected to disrupt FLNC protein function with a negative predictive value of 95%. In summary, the available evidence is currently insufficient to determine the role of this variant in disease. Therefore, it has been classified as a Variant of Uncertain Significance.

Ambry Genetics
Classification: Uncertain significance for Cardiovascular phenotype. Last evaluated: 2023-04-25. Review status: criteria provided, single submitter. Criteria: Ambry Variant Classification Scheme 2023. Collection method: clinical testing. Allele origin: germline.

NM_001458.5(FLNC):c.7176C>G (p.Ile2392Met)

Genes: FLNC (filamin C; plus strand), FLNC-AS1 (FLNC antisense RNA 1; minus strand). Cytogenetic location: 7q32.1.
Variant type: single nucleotide variant.
Coding change: c.7176C>G on transcript NM_001458.5 (MANE Select); coding-DNA position 7176, C replaced by G.
Protein change: p.Ile2392Met; replaces isoleucine 2392 with methionine.
Molecular consequence: missense variant.
Genome position (GRCh38, 1-based): chr7:128,855,239, C>G. VCF-style: chr7-128855239-C-G. GRCh37 (hg19) VCF-style: chr7-128495293-C-G.
Other names: c.7077C>G, p.Ile2359Met (NM_001127487.2); short protein forms I2359M, I2392M.
Identifiers: ClinVar variation 660980 (VCV000660980.4), dbSNP rs1585170543, ClinGen allele CA369215704.